The following is an entry in ClinVar:

NM_000551.4(VHL):c.420C>T (p.Leu140=)

Genes: VHL (von Hippel-Lindau tumor suppressor; plus strand), LOC107303340 (3p25 von Hippel-Lindau tumor suppressor, E3 ubiquitin protein ligase Alu-mediated recombination region; plus strand). Cytogenetic location: 3p25.3.
Variant type: single nucleotide variant.
Coding change: c.420C>T on transcript NM_000551.4 (MANE Select); coding-DNA position 420, C replaced by T.
Protein change: p.Leu140=; no amino-acid change (leucine 140 retained).
Molecular consequence: synonymous variant. On other transcripts: intron variant (2).
Genome position (GRCh38, 1-based): chr3:10,146,593, C>T. VCF-style: chr3-10146593-C-T. GRCh37 (hg19) VCF-style: chr3-10188277-C-T.
Other names: c.*18-3194C>T (NM_001354723.2); c.341-3194C>T (NM_198156.3).
Identifiers: ClinVar variation 749079 (VCV000749079.14), dbSNP rs369465430, ClinGen allele CA432421874.

ClinVar aggregate classification (germline): Benign/Likely benign. Review status: criteria provided, multiple submitters, no conflicts (2 of 4 stars). 4 submissions from 4 submitters: Benign (1); Likely benign (3). Last evaluated 2025-06-12.

Conditions:
Hereditary cancer-predisposing syndrome. Also called: Tumor predisposition; Hereditary neoplastic syndrome; Neoplastic Syndromes, Hereditary; Hereditary Cancer Syndrome. Identifiers: Orphanet 140162, MedGen C0027672, MeSH D009386, MONDO:0015356.
Von Hippel-Lindau syndrome (VHLS). Also called: Von Hippel-Lindau; von Hippel–Lindau syndrome; VHL syndrome. Identifiers: Orphanet 892, MedGen C0019562, MONDO:0008667, OMIM 193300. Disease mechanism: loss of function.
Chuvash polycythemia. Also called: POLYCYTHEMIA, VHL-DEPENDENT. Identifiers: Orphanet 238557, MedGen C1837915, MONDO:0009892, OMIM 263400.

gnomAD v4.1: 5 of 1,614,004 alleles (0.00031%); highest among the groups gnomAD compares: Non-Finnish European, 0.00042%; no homozygotes.

Submissions (4):

Myriad Genetics, Inc.
Classification: Benign for Von Hippel-Lindau syndrome. Last evaluated: 2025-06-12. Review status: criteria provided, single submitter. Criteria: Myriad Autosomal Dominant, Autosomal Recessive and X-Linked Classification Criteria (2023). Collection method: clinical testing. Allele origin: unknown.
Comment: This variant is considered benign. This variant is a silent/synonymous amino acid change and it is not expected to impact splicing.

Labcorp Genetics (formerly Invitae), Labcorp
Classification: Likely benign for Von Hippel-Lindau syndrome; Chuvash polycythemia. Last evaluated: 2025-05-27. Review status: criteria provided, single submitter. Criteria: Invitae Variant Classification Sherloc (09022015). Collection method: clinical testing. Allele origin: germline.

Ambry Genetics
Classification: Likely benign for Hereditary cancer-predisposing syndrome. Last evaluated: 2024-07-27. Review status: criteria provided, single submitter. Criteria: Ambry Variant Classification Scheme 2023. Collection method: clinical testing. Allele origin: germline.

Blueprint Genetics
Classification: Likely benign. Last evaluated: 2023-08-28. Review status: criteria provided, single submitter. Criteria: ACMG Guidelines, 2015. Collection method: clinical testing. Allele origin: germline.